The following is an entry in ClinVar:

ClinVar aggregate classification (germline): Likely benign. Review status: criteria provided, multiple submitters, no conflicts (2 of 4 stars). 2 submissions from 2 submitters: Likely benign (2). Last evaluated 2026-05-01.

Allele frequency attached by ClinVar (database versions not stated): TOPMed below 0.00001.

Submissions (2):

CeGaT Center for Human Genetics Tuebingen
Classification: Likely benign. Last evaluated: 2026-05-01. Review status: criteria provided, single submitter. Criteria: CeGaT Center For Human Genetics Tuebingen Variant Classification Criteria Version 2. Collection method: clinical testing. Allele origin: germline. Affected: yes. Observed: 1 variant allele.
Comment: CNOT1: BP4, BP7

Labcorp Genetics (formerly Invitae), Labcorp
Classification: Likely benign. Last evaluated: 2024-09-11. Review status: criteria provided, single submitter. Criteria: Invitae Variant Classification Sherloc (09022015). Collection method: clinical testing. Allele origin: germline.

NM_016284.5(CNOT1):c.5211T>G (p.Val1737=)

Gene: CNOT1 (CCR4-NOT transcription complex subunit 1; minus strand). Cytogenetic location: 16q21.
Variant type: single nucleotide variant.
Coding change: c.5211T>G on transcript NM_016284.5 (MANE Select); coding-DNA position 5211, T replaced by G.
Protein change: p.Val1737=; no amino-acid change (valine 1737 retained).
Molecular consequence: synonymous variant. On other transcripts: non-coding transcript variant (1).
Genome position (GRCh38, 1-based): chr16:58,538,191, A>C on the plus strand (T>G on the coding strand, the complement: CNOT1 is on the minus strand). VCF-style: chr16-58538191-A-C. GRCh37 (hg19) VCF-style: chr16-58572095-A-C.
Other names: c.5196T>G, p.Val1732= (NM_001265612.2).
Identifiers: ClinVar variation 2129287 (VCV002129287.6), dbSNP rs1322220318, ClinGen allele CA495897704.